The following is an entry in ClinVar:

ClinVar aggregate classification (germline): Likely benign (0 of 4 stars; one submission).

Conditions:
AKAP13-related disorder. Also called: AKAP13-related condition.

Allele frequency attached by ClinVar (database versions not stated): TOPMed 0.00001; ExAC 0.00002; gnomAD exomes 0.00003; gnomAD 0.00004.

Submission:

PreventionGenetics, part of Exact Sciences
Classification: Likely benign for AKAP13-related condition. Last evaluated: 2022-04-04. Review status: no assertion criteria provided. Collection method: clinical testing. Allele origin: germline.
Comment: This variant is classified as likely benign based on ACMG/AMP sequence variant interpretation guidelines (Richards et al. 2015 PMID: 25741868, with internal and published modifications).

NM_007200.5(AKAP13):c.4238-43dup

Gene: AKAP13 (A-kinase anchoring protein 13; plus strand). Cytogenetic location: 15q25.3.
Variant type: Duplication.
Coding change: c.4238-43dup on transcript NM_007200.5 (MANE Select); 43 bases into the intron before coding-DNA position 4238, one base duplicated (G; older notation c.4238-43dupG).
Molecular consequence: intron variant.
Genome position (GRCh38, 1-based): chr15:85,645,775, G duplicated. VCF-style (leftmost placement, unchanged base first): chr15-85645774-T-TG. GRCh37 (hg19) VCF-style: chr15-86189005-T-TG.
Other names: c.4238-43dup (NM_006738.6); c.158-43dup (NM_001270546.1).
Identifiers: ClinVar variation 3056485 (VCV003056485.2), dbSNP rs770591309, ClinGen allele CA7713071.